The following is an entry in ClinVar:

NM_015506.3(MMACHC):c.145G>A (p.Ala49Thr)

Gene: MMACHC (metabolism of cobalamin associated C; plus strand). Cytogenetic location: 1p34.1.
Variant type: single nucleotide variant.
Coding change: c.145G>A on transcript NM_015506.3 (MANE Select); coding-DNA position 145, G replaced by A.
Protein change: p.Ala49Thr; replaces alanine 49 with threonine.
Molecular consequence: missense variant. On other transcripts: 5 prime UTR variant (1).
Genome position (GRCh38, 1-based): chr1:45,507,419, G>A. VCF-style: chr1-45507419-G-A. GRCh37 (hg19) VCF-style: chr1-45973091-G-A.
Other names: c.-27G>A (NM_001330540.2); short protein forms A49T.
Identifiers: ClinVar variation 1715296 (VCV001715296.3), dbSNP rs775502093, ClinGen allele CA827650.

ClinVar aggregate classification (germline): Uncertain significance (1 of 4 stars; one submission).

Conditions:
Cobalamin C disease. Also called: Methylmalonic aciduria and homocystinuria, Vitamin B12-responsive; Vitamin B12 metabolic defect with combined deficiency of methylmalonyl-CoA mutase and homocysteine:methyltetrahydrofolate methyltransferase; methylmalonic aciduria and homocystinuria type cblC; Cobalamin-C methylmalonic acidemia and homocystinuria; Methylmalonic acidemia and homocystinuria cblC type; Methylmalonic aciduria with homocystinuria cblC type. Identifiers: Orphanet 26, Orphanet 79282, MedGen C1848561, MONDO:0010184, OMIM 277400.

Allele frequency attached by ClinVar (database versions not stated): TOPMed below 0.00001; ExAC 0.00001.

Submission:

Labcorp Genetics (formerly Invitae), Labcorp
Classification: Uncertain significance for Cobalamin C disease. Last evaluated: 2022-08-06. Review status: criteria provided, single submitter. Criteria: Invitae Variant Classification Sherloc (09022015). Collection method: clinical testing. Allele origin: germline.
Comment: This sequence change replaces alanine, which is neutral and non-polar, with threonine, which is neutral and polar, at codon 49 of the MMACHC protein (p.Ala49Thr). This variant is present in population databases (rs775502093, gnomAD 0.0009%). This variant has not been reported in the literature in individuals affected with MMACHC-related conditions. Advanced modeling of protein sequence and biophysical properties (such as structural, functional, and spatial information, amino acid conservation, physicochemical variation, residue mobility, and thermodynamic stability) performed at Invitae indicates that this missense variant is expected to disrupt MMACHC protein function. In summary, the available evidence is currently insufficient to determine the role of this variant in disease. Therefore, it has been classified as a Variant of Uncertain Significance.